The following is an entry in ClinVar:

ClinVar aggregate classification (germline): Uncertain significance (1 of 4 stars; one submission).

Conditions:
Early-infantile DEE. Also called: Ohtahara syndrome; Early infantile epileptic encephalopathy with suppression bursts; Early infantile epileptic encephalopathy. Identifiers: Orphanet 1934, MedGen C0393706, MONDO:0800491.

Submission:

Labcorp Genetics (formerly Invitae), Labcorp
Classification: Uncertain significance for Early-infantile DEE. Last evaluated: 2023-06-22. Review status: criteria provided, single submitter. Criteria: Invitae Variant Classification Sherloc (09022015). Collection method: clinical testing. Allele origin: germline.
Comment: This sequence change replaces valine, which is neutral and non-polar, with isoleucine, which is neutral and non-polar, at codon 972 of the SPTAN1 protein (p.Val972Ile). This variant is not present in population databases (gnomAD no frequency). This variant has not been reported in the literature in individuals affected with SPTAN1-related conditions. Advanced modeling of protein sequence and biophysical properties (such as structural, functional, and spatial information, amino acid conservation, physicochemical variation, residue mobility, and thermodynamic stability) has been performed at Invitae for this missense variant, however the output from this modeling did not meet the statistical confidence thresholds required to predict the impact of this variant on SPTAN1 protein function. In summary, the available evidence is currently insufficient to determine the role of this variant in disease. Therefore, it has been classified as a Variant of Uncertain Significance.

NM_001130438.3(SPTAN1):c.2914G>A (p.Val972Ile)

Gene: SPTAN1 (spectrin alpha, non-erythrocytic 1; plus strand). Cytogenetic location: 9q34.11.
Variant type: single nucleotide variant.
Coding change: c.2914G>A on transcript NM_001130438.3 (MANE Select); coding-DNA position 2914, G replaced by A.
Protein change: p.Val972Ile; replaces valine 972 with isoleucine.
Molecular consequence: missense variant.
Genome position (GRCh38, 1-based): chr9:128,588,851, G>A. VCF-style: chr9-128588851-G-A. GRCh37 (hg19) VCF-style: chr9-131351130-G-A.
Other names: c.2914G>A, p.Val972Ile (NM_001195532.2, NM_001363759.2, NM_001363765.2 and 5 more transcripts); c.2950G>A, p.Val984Ile (NM_001375312.2, NM_001375318.1); short protein forms V984I, V972I.
Identifiers: ClinVar variation 2864813 (VCV002864813.3), dbSNP rs2541323428, ClinGen allele CA375059765.
Genomic context (GRCh38, chr9:128,588,851, plus strand): 5'-CTTCCTTTGGATTTTTAGCAACAAGTGGCCCCCACGGATGATGAGACTGGGAAGGAGCTG[G>A]TCTTGGCTCTCTACGACTATCAGGAGAAGAGTCCCCGAGAGGTCACCATGAAGAAGGGAG-3'
Protein context (NP_001123910.1, residues 962-982): PTDDETGKEL[Val972Ile]LALYDYQEKS